The following is an entry in ClinVar:

NM_001110556.2(FLNA):c.3299T>G (p.Leu1100Arg)

Gene: FLNA (filamin A; minus strand). Cytogenetic location: Xq28.
Variant type: single nucleotide variant.
Coding change: c.3299T>G on transcript NM_001110556.2 (MANE Select); coding-DNA position 3299, T replaced by G.
Protein change: p.Leu1100Arg; replaces leucine 1100 with arginine.
Molecular consequence: missense variant.
Genome position (GRCh38, 1-based): chrX:154,360,496, A>C on the plus strand (T>G on the coding strand, the complement: FLNA is on the minus strand). VCF-style: chrX-154360496-A-C. GRCh37 (hg19) VCF-style: chrX-153588864-A-C.
Other names: c.3299T>G, p.Leu1100Arg (NM_001456.4); short protein forms L1100R.
Identifiers: ClinVar variation 936247 (VCV000936247.10), dbSNP rs782307520, ClinGen allele CA10560730.
Genomic context (GRCh38, chrX:154,360,496, plus strand): 5'-CCATCCCCATTGTCCAAGCACTCGAGCTGCGCCTCACAGGGGCCCTCCACCGTCAGGCCC[A>C]GGCCACCTGTGCCGGCGCCCTTGGTGTCGATGGTGAAGCGGGCGGGGGAGCCCGCACTGC-3'
Protein context (NP_001104026.1, residues 1090-1110): IDTKGAGTGG[Leu1100Arg]GLTVEGPCEA

ClinVar aggregate classification (germline): Uncertain significance (1 of 4 stars; one submission).

Conditions:
Frontometaphyseal dysplasia (FMD1). Identifiers: Orphanet 1826, MedGen C0265293, MONDO:0015942.
Heterotopia, periventricular, X-linked dominant (PVNH1). Also called: PERIVENTRICULAR NODULAR HETEROTOPIA 1; X-linked periventricular heterotopia; PERIVENTRICULAR NODULAR HETEROTOPIA 4; HETEROTOPIA, PERIVENTRICULAR, 1. Identifiers: Orphanet 2149, Orphanet 82004, MedGen C1848213, MONDO:0010233, OMIM 300049.
Melnick-Needles syndrome (MNS). Also called: MELNICK-NEEDLES OSTEODYSPLASTY; OSTEODYSPLASTY OF MELNICK AND NEEDLES; Melnick-Needles Syndrome (FLNA-MNS). Identifiers: Orphanet 2484, MedGen C0025237, MONDO:0010650, OMIM 309350.
Oto-palato-digital syndrome, type II (OPD2). Also called: OPD II SYNDROME; FACIOPALATOOSSEOUS SYNDROME; Otopalatodigital Syndrome Type 2 (FLNA-OPD2); Otopalatodigital Syndrome, Type II. Identifiers: Orphanet 669, Orphanet 90652, MedGen C1844696, MONDO:0010571, OMIM 304120.

Allele frequency attached by ClinVar (database versions not stated): ExAC 0.00001; gnomAD exomes 0.00001.
gnomAD v4.1: 3 of 1,211,258 alleles (0.00025%); highest among the groups gnomAD compares: Non-Finnish European, 0.00034%; no homozygotes.

Submission:

Labcorp Genetics (formerly Invitae), Labcorp
Classification: Uncertain significance for Oto-palato-digital syndrome, type II; Heterotopia, periventricular, X-linked dominant; Frontometaphyseal dysplasia; Melnick-Needles syndrome. Last evaluated: 2020-05-20. Review status: criteria provided, single submitter. Criteria: Invitae Variant Classification Sherloc (09022015). Collection method: clinical testing. Allele origin: germline.
Comment: This sequence change replaces leucine with arginine at codon 1100 of the FLNA protein (p.Leu1100Arg). The leucine residue is highly conserved and there is a moderate physicochemical difference between leucine and arginine. This variant is present in population databases (rs782307520, ExAC 0.002%). This variant has been observed in an individual affected with left ventricular hypertrabeculation (PMID: 28798025). Algorithms developed to predict the effect of missense changes on protein structure and function are either unavailable or do not agree on the potential impact of this missense change (SIFT: "Deleterious"; PolyPhen-2: "Probably Damaging"; Align-GVGD: "Class C0"). In summary, the available evidence is currently insufficient to determine the role of this variant in disease. Therefore, it has been classified as a Variant of Uncertain Significance.

Literature cited by the submitters: PubMed 28798025.